The following is an entry in ClinVar:

NM_001122955.4(BSCL2):c.88-673T>C

Genes: BSCL2 (BSCL2 lipid droplet biogenesis associated, seipin; minus strand), HNRNPUL2-BSCL2 (HNRNPUL2-BSCL2 readthrough (NMD candidate); minus strand). Cytogenetic location: 11q12.3.
Variant type: single nucleotide variant.
Coding change: c.88-673T>C on transcript NM_001122955.4 (MANE Select); 673 bases into the intron before coding-DNA position 88, T replaced by C.
Molecular consequence: intron variant. On other transcripts: 5 prime UTR variant (2).
Genome position (GRCh38, 1-based): chr11:62,706,290, A>G on the plus strand (T>C on the coding strand, the complement: BSCL2 is on the minus strand). VCF-style: chr11-62706290-A-G. GRCh37 (hg19) VCF-style: chr11-62473762-A-G.
Other names: c.-193T>C (NM_001130702.2, NM_032667.6); c.88-673T>C (NM_001386028.1, NM_001386027.1).
Identifiers: ClinVar variation 1710826 (VCV001710826.26), dbSNP rs529417327, ClinGen allele CA223642611.

ClinVar aggregate classification (germline): Benign/Likely benign. Review status: criteria provided, multiple submitters, no conflicts (2 of 4 stars). 2 submissions from 2 submitters: Benign (1); Likely benign (1). Last evaluated 2023-01-01.

Allele frequency attached by ClinVar (database versions not stated): 1000 Genomes Project 0.00300; 1000 Genomes Project 30x 0.00390; TOPMed 0.00448.
gnomAD v4.1: 1,002 of 1,109,872 alleles (0.09%); highest among the groups gnomAD compares: African/African-American, 1.5%; 9 homozygotes.

Submissions (2):

CeGaT Center for Human Genetics Tuebingen
Classification: Benign. Last evaluated: 2023-01-01. Review status: criteria provided, single submitter. Criteria: CeGaT Center For Human Genetics Tuebingen Variant Classification Criteria Version 2. Collection method: clinical testing. Allele origin: germline. Affected: yes. Observed: 1 variant allele.
Comment: BSCL2: BS1, BS2

GeneDx
Classification: Likely benign. Last evaluated: 2022-04-11. Review status: criteria provided, single submitter. Criteria: GeneDx Variant Classification Process June 2021. Collection method: clinical testing. Allele origin: germline. Affected: yes.